The following is an entry in ClinVar:

NM_020778.5(ALPK3):c.278A>G (p.Asp93Gly)

Gene: ALPK3 (alpha kinase 3; plus strand). Cytogenetic location: 15q25.3.
Variant type: single nucleotide variant.
Coding change: c.278A>G on transcript NM_020778.5 (MANE Select); coding-DNA position 278, A replaced by G.
Protein change: p.Asp93Gly; replaces aspartic acid 93 with glycine.
Molecular consequence: missense variant.
Genome position (GRCh38, 1-based): chr15:84,827,579, A>G. VCF-style: chr15-84827579-A-G. GRCh37 (hg19) VCF-style: chr15-85370810-A-G.
Other names: short protein forms D93G.
Identifiers: ClinVar variation 3894748 (VCV003894748.2), dbSNP rs116077141.

ClinVar aggregate classification (germline): Conflicting classifications of pathogenicity. Review status: criteria provided, conflicting classifications (1 of 4 stars). 2 submissions from 2 submitters: Uncertain significance (1); Benign (1). Last evaluated 2025-10-18.

Submissions (2):

Labcorp Genetics (formerly Invitae), Labcorp
Classification: Uncertain significance. Last evaluated: 2025-10-18. Review status: criteria provided, single submitter. Criteria: Invitae Variant Classification Sherloc (09022015). Collection method: clinical testing. Allele origin: germline.
Comment: This sequence change replaces aspartic acid, which is acidic and polar, with glycine, which is neutral and non-polar, at codon 295 of the ALPK3 protein (p.Asp295Gly). This variant is not present in population databases (gnomAD no frequency). This variant has not been reported in the literature in individuals affected with ALPK3-related conditions. ClinVar contains an entry for this variant (Variation ID: 3894748). An algorithm developed to predict the effect of missense changes on protein structure and function (PolyPhen-2) suggests that this variant is likely to be disruptive. In summary, the available evidence is currently insufficient to determine the role of this variant in disease. Therefore, it has been classified as a Variant of Uncertain Significance.

Molecular Diagnostic Laboratory for Inherited Cardiovascular Disease, Montreal Heart Institute
Classification: Benign. Last evaluated: 2025-04-09. Review status: criteria provided, single submitter. Criteria: ACMG Guidelines, 2015. Collection method: clinical testing. Allele origin: germline. Affected: no.